The following is an entry in ClinVar:

NM_002691.4(POLD1):c.1383+10G>A

Gene: POLD1 (DNA polymerase delta 1, catalytic subunit; plus strand). Cytogenetic location: 19q13.33.
Variant type: single nucleotide variant.
Coding change: c.1383+10G>A on transcript NM_002691.4 (MANE Select); 10 bases into the intron after coding-DNA position 1383, G replaced by A.
Molecular consequence: intron variant.
Genome position (GRCh38, 1-based): chr19:50,406,332, G>A. VCF-style: chr19-50406332-G-A. GRCh37 (hg19) VCF-style: chr19-50909589-G-A.
Other names: c.1383+10G>A (NM_001256849.1, NM_001308632.1).
Identifiers: ClinVar variation 3904147 (VCV003904147.1).

ClinVar aggregate classification (germline): Likely benign (1 of 4 stars; one submission).

Conditions:
POLD1-related polyposis and colorectal cancer syndrome (CRCS10). Also called: Colorectal cancer 10; COLORECTAL CANCER, SUSCEPTIBILITY TO, ON CHROMOSOME 19q; Colorectal cancer, susceptibility to, 10. Identifiers: Orphanet 220460, MedGen C2675481, MONDO:0012953, OMIM 612591.

Submission:

Myriad Genetics, Inc.
Classification: Likely benign for POLD1-related polyposis and colorectal cancer syndrome. Last evaluated: 2025-02-06. Review status: criteria provided, single submitter. Criteria: Myriad Autosomal Dominant, Autosomal Recessive and X-Linked Classification Criteria (2023). Collection method: clinical testing. Allele origin: unknown.
Comment: This variant is considered likely benign. This variant is intronic and is not expected to impact mRNA splicing.